The following is an entry in ClinVar:

NM_004168.4(SDHA):c.150+4A>G

Gene: SDHA (succinate dehydrogenase complex flavoprotein subunit A; plus strand). Cytogenetic location: 5p15.33.
Variant type: single nucleotide variant.
Coding change: c.150+4A>G on transcript NM_004168.4 (MANE Select); 4 bases into the intron after coding-DNA position 150, A replaced by G.
Molecular consequence: intron variant.
Genome position (GRCh38, 1-based): chr5:223,572, A>G. VCF-style: chr5-223572-A-G. GRCh37 (hg19) VCF-style: chr5-223687-A-G.
Other names: c.150+4A>G (NM_001330758.2, NM_001294332.2, NM_004168.2).
Identifiers: ClinVar variation 1008917 (VCV001008917.8), dbSNP rs1734837029, ClinGen allele CA1521980940.

ClinVar aggregate classification (germline): Uncertain significance. Review status: criteria provided, multiple submitters, no conflicts (2 of 4 stars). 3 submissions from 3 submitters: Uncertain significance (3). Last evaluated 2025-01-29.

Conditions:
Mitochondrial complex II deficiency, nuclear type 1. Also called: SUCCINATE CoQ REDUCTASE DEFICIENCY. Identifiers: Orphanet 3208, MedGen C5700310, MONDO:0100294, OMIM 252011.
Pheochromocytoma/paraganglioma syndrome 5. Also called: Paragangliomas 5; SDHA-Related Hereditary Paraganglioma-Pheochromocytoma Syndrome. Identifiers: Orphanet 29072, MedGen C3279992, MONDO:0013602, OMIM 614165.
Hereditary cancer-predisposing syndrome. Also called: Tumor predisposition; Hereditary neoplastic syndrome; Neoplastic Syndromes, Hereditary; Hereditary Cancer Syndrome. Identifiers: Orphanet 140162, MedGen C0027672, MeSH D009386, MONDO:0015356.

Submissions (3):

Labcorp Genetics (formerly Invitae), Labcorp
Classification: Uncertain significance for Pheochromocytoma/paraganglioma syndrome 5; Mitochondrial complex II deficiency, nuclear type 1. Last evaluated: 2025-01-29. Review status: criteria provided, single submitter. Criteria: Invitae Variant Classification Sherloc (09022015). Collection method: clinical testing. Allele origin: germline.
Comment: This sequence change falls in intron 2 of the SDHA gene. It does not directly change the encoded amino acid sequence of the SDHA protein. It affects a nucleotide within the consensus splice site. This variant is not present in population databases (gnomAD no frequency). This variant has not been reported in the literature in individuals affected with SDHA-related conditions. ClinVar contains an entry for this variant (Variation ID: 1008917). Variants that disrupt the consensus splice site are a relatively common cause of aberrant splicing (PMID: 17576681, 9536098). Algorithms developed to predict the effect of sequence changes on RNA splicing suggest that this variant may disrupt the consensus splice site. In summary, the available evidence is currently insufficient to determine the role of this variant in disease. Therefore, it has been classified as a Variant of Uncertain Significance.

GeneDx
Classification: Uncertain significance. Last evaluated: 2024-08-13. Review status: criteria provided, single submitter. Criteria: GeneDx Variant Classification Process June 2021. Collection method: clinical testing. Allele origin: germline. Affected: yes.
Comment: Not observed at significant frequency in large population cohorts (gnomAD); Has not been previously published as pathogenic or benign to our knowledge; In silico analysis is inconclusive as to whether the variant alters gene splicing. In the absence of RNA/functional studies, the actual effect of this sequence change is unknown.

Ambry Genetics
Classification: Uncertain significance for Hereditary cancer-predisposing syndrome. Last evaluated: 2023-02-15. Review status: criteria provided, single submitter. Criteria: Ambry Variant Classification Scheme 2023. Collection method: clinical testing. Allele origin: germline.
Comment: The c.150+4A>G intronic variant results from an A to G substitution 4 nucleotides after coding exon 2 in the SDHA gene. This nucleotide position is highly conserved in available vertebrate species. In silico splice site analysis predicts that this alteration may weaken the native splice donor site; however, direct evidence is insufficient at this time (Ambry internal data). Since supporting evidence is limited at this time, the clinical significance of this alteration remains unclear.

Literature cited by the submitters: PubMed 17576681 (cited by Labcorp Genetics (formerly Invitae), Labcorp); PubMed 9536098 (cited by Labcorp Genetics (formerly Invitae), Labcorp).